The following is an entry in ClinVar:

NM_031272.5(TEX14):c.1282A>C (p.Thr428Pro)

Gene: TEX14 (testis expressed 14, intercellular bridge forming factor; minus strand). Cytogenetic location: 17q22.
Variant type: single nucleotide variant.
Coding change: c.1282A>C on transcript NM_031272.5 (MANE Select); coding-DNA position 1282, A replaced by C.
Protein change: p.Thr428Pro; replaces threonine 428 with proline.
Molecular consequence: missense variant.
Genome position (GRCh38, 1-based): chr17:58,605,032, T>G on the plus strand (A>C on the coding strand, the complement: TEX14 is on the minus strand). VCF-style: chr17-58605032-T-G. GRCh37 (hg19) VCF-style: chr17-56682393-T-G.
Other names: c.1300A>C, p.Thr434Pro (NM_001201457.2); c.1282A>C, p.Thr428Pro (NM_198393.4); short protein forms T428P, T434P.
Identifiers: ClinVar variation 5019328 (VCV005019328.2).

ClinVar aggregate classification (germline): Uncertain significance (1 of 4 stars; one submission).

Conditions:
Spermatogenic failure 23. Identifiers: MedGen C4540185, MONDO:0054727, OMIM 617707.

gnomAD v4.1: 1 of 1,614,246 alleles (0.000062%); no homozygotes.

Submission:

Juno Genomics, Hangzhou Juno Genomics, Inc
Classification: Uncertain significance for Spermatogenic failure 23. Review status: criteria provided, single submitter. Criteria: ACMG Guidelines, 2015. Collection method: clinical testing. Allele origin: germline.
Comment: Absent from controls (or at extremely low frequency if recessive) in Genome Aggregation Database.;Multiple lines of computational evidence suggest no impact on gene or gene product.;For recessive disorders, detected in trans with a pathogenic variant.;Patient's phenotype or family history is highly specific for a disease with a single genetic etiology.